The following is an entry in ClinVar:

NM_004963.4(GUCY2C):c.523T>C (p.Trp175Arg)

Genes: GUCY2C (guanylate cyclase 2C; minus strand), GUCY2C-AS1 (GUCY2C antisense RNA 1; plus strand). Cytogenetic location: 12p12.3.
Variant type: single nucleotide variant.
Coding change: c.523T>C on transcript NM_004963.4 (MANE Select); coding-DNA position 523, T replaced by C.
Protein change: p.Trp175Arg; replaces tryptophan 175 with arginine.
Molecular consequence: missense variant.
Genome position (GRCh38, 1-based): chr12:14,683,130, A>G on the plus strand (T>C on the coding strand, the complement: GUCY2C is on the minus strand). VCF-style: chr12-14683130-A-G. GRCh37 (hg19) VCF-style: chr12-14836064-A-G.
Other names: short protein forms W175R.
Identifiers: ClinVar variation 3697869 (VCV003697869.2).
Genomic context (GRCh38, chr12:14,683,130, plus strand): 5'-TCTTGTAAACATACGAAGTGCTCCAGGAATAAGTTTTGAAGGGCAGATCGTTGGTTTTCC[A>G]AAAGTTAACCAAGAAGTACATCAACTTTCTAGCTGGAGACATCAGCCTGGTTAAGGTTTC-3'
Protein context (NP_004954.2, residues 165-185): RKLMYFLVNF[Trp175Arg]KTNDLPFKTY

ClinVar aggregate classification (germline): Uncertain significance (1 of 4 stars; one submission).

gnomAD v4.1: 7 of 1,613,370 alleles (0.00043%); highest among the groups gnomAD compares: African/African-American, 0.0093%; no homozygotes.

Submission:

Labcorp Genetics (formerly Invitae), Labcorp
Classification: Uncertain significance. Last evaluated: 2025-10-29. Review status: criteria provided, single submitter. Criteria: Invitae Variant Classification Sherloc (09022015). Collection method: clinical testing. Allele origin: germline.
Comment: This sequence change replaces tryptophan, which is neutral and slightly polar, with arginine, which is basic and polar, at codon 175 of the GUCY2C protein (p.Trp175Arg). This variant is present in population databases (no rsID available, gnomAD 0.01%). This variant has not been reported in the literature in individuals affected with GUCY2C-related conditions. ClinVar contains an entry for this variant (Variation ID: 3697869). Invitae Evidence Modeling of protein sequence and biophysical properties (such as structural, functional, and spatial information, amino acid conservation, physicochemical variation, residue mobility, and thermodynamic stability) indicates that this missense variant is expected to disrupt GUCY2C protein function with a positive predictive value of 80%. In summary, the available evidence is currently insufficient to determine the role of this variant in disease. Therefore, it has been classified as a Variant of Uncertain Significance.